The following is an entry in ClinVar:

NM_000095.3(COMP):c.1344_1451del (p.Pro449_Cys484del)

Gene: COMP (cartilage oligomeric matrix protein; minus strand). Cytogenetic location: 19p13.11.
Variant type: Deletion.
Coding change: c.1344_1451del on transcript NM_000095.3 (MANE Select); coding-DNA positions 1344 to 1451, 108 bases deleted.
Protein change: p.Pro449_Cys484del.
Molecular consequence: inframe deletion.
Genome position (GRCh38, 1-based): chr19:18,786,003-18,786,110, 108 bases deleted. GRCh37 (hg19): chr19:18,896,825-18,896,932.
Identifiers: ClinVar variation 4732599 (VCV004732599.1).

ClinVar aggregate classification (germline): Uncertain significance (1 of 4 stars; one submission).

Submission:

Labcorp Genetics (formerly Invitae), Labcorp
Classification: Uncertain significance. Last evaluated: 2025-12-05. Review status: criteria provided, single submitter. Criteria: Invitae Variant Classification Sherloc (09022015). Collection method: clinical testing. Allele origin: germline.
Comment: This variant, c.1344_1451del, results in the deletion of 36 amino acid(s) of the COMP protein (p.Pro449_Cys484del), but otherwise preserves the integrity of the reading frame. This variant is not present in population databases (gnomAD no frequency). This variant has not been reported in the literature in individuals affected with COMP-related conditions. Experimental studies and prediction algorithms are not available or were not evaluated, and the functional significance of this variant is currently unknown. In summary, the available evidence is currently insufficient to determine the role of this variant in disease. Therefore, it has been classified as a Variant of Uncertain Significance.